The following is an entry in ClinVar:

ClinVar aggregate classification (germline): Uncertain significance. Review status: criteria provided, multiple submitters, no conflicts (2 of 4 stars). 2 submissions from 2 submitters: Uncertain significance (2). Last evaluated 2025-08-04.

gnomAD v4.1: 24 of 1,614,120 alleles (0.0015%); highest among the groups gnomAD compares: Admixed American, 0.038%; no homozygotes.

Submissions (2):

Ambry Genetics
Classification: Uncertain significance. Last evaluated: 2025-08-04. Review status: criteria provided, single submitter. Criteria: Ambry Variant Classification Scheme 2023. Collection method: clinical testing. Allele origin: germline.

Mayo Clinic Laboratories, Mayo Clinic
Classification: Uncertain significance. Last evaluated: 2024-12-09. Review status: criteria provided, single submitter. Criteria: ACMG Guidelines, 2015. Collection method: clinical testing. Allele origin: germline. Observed: 1 variant allele.
Comment: BP4_moderate

NM_001172303.3(MASTL):c.1808A>G (p.Asn603Ser)

Gene: MASTL (microtubule associated serine/threonine kinase like; plus strand). Cytogenetic location: 10p12.1.
Variant type: single nucleotide variant.
Coding change: c.1808A>G on transcript NM_001172303.3 (MANE Select); coding-DNA position 1808, A replaced by G.
Protein change: p.Asn603Ser; replaces asparagine 603 with serine.
Molecular consequence: missense variant. On other transcripts: non-coding transcript variant (1).
Genome position (GRCh38, 1-based): chr10:27,170,767, A>G. VCF-style: chr10-27170767-A-G. GRCh37 (hg19) VCF-style: chr10-27459696-A-G.
Other names: p.Asn603Ser; c.1808A>G, p.Asn603Ser (NM_001172304.3, NM_001320756.2, NM_001320757.2 and 1 more transcripts); c.1325A>G, p.Asn442Ser (NM_001372029.1, NM_001372030.1); short protein forms N442S, N603S.
Identifiers: ClinVar variation 4104389 (VCV004104389.2).